The following is an entry in ClinVar:

NM_001167.4(XIAP):c.1153A>G (p.Ser385Gly)

Gene: XIAP (X-linked inhibitor of apoptosis; plus strand). Cytogenetic location: Xq25.
Variant type: single nucleotide variant.
Coding change: c.1153A>G on transcript NM_001167.4 (MANE Select); coding-DNA position 1153, A replaced by G.
Protein change: p.Ser385Gly; replaces serine 385 with glycine.
Molecular consequence: missense variant. On other transcripts: non-coding transcript variant (2).
Genome position (GRCh38, 1-based): chrX:123,900,546, A>G. VCF-style: chrX-123900546-A-G. GRCh37 (hg19) VCF-style: chrX-123034396-A-G.
Other names: c.1153A>G, p.Ser385Gly (NM_001204401.2, NM_001378590.1, NM_001378592.1 and 1 more transcripts); short protein forms S385G.
Identifiers: ClinVar variation 3653871 (VCV003653871.3).

ClinVar aggregate classification (germline): Uncertain significance. Review status: criteria provided, multiple submitters, no conflicts (2 of 4 stars). 2 submissions from 2 submitters: Uncertain significance (2). Last evaluated 2025-12-26.

Conditions:
X-linked lymphoproliferative disease due to XIAP deficiency. Also called: XIAP-Related Lymphoproliferative Disease, X-Linked; XIAP DEFICIENCY. Identifiers: Orphanet 2442, Orphanet 538934, MedGen C1845076, MONDO:0010385, OMIM 300635.

gnomAD v4.1: 1 of 1,209,387 alleles (0.000083%); highest among the groups gnomAD compares: Non-Finnish European, 0.00011%; no homozygotes.

Submissions (2):

Labcorp Genetics (formerly Invitae), Labcorp
Classification: Uncertain significance for X-linked lymphoproliferative disease due to XIAP deficiency. Last evaluated: 2025-12-26. Review status: criteria provided, single submitter. Criteria: Invitae Variant Classification Sherloc (09022015). Collection method: clinical testing. Allele origin: germline.
Comment: This sequence change replaces serine, which is neutral and polar, with glycine, which is neutral and non-polar, at codon 385 of the XIAP protein (p.Ser385Gly). This variant is not present in population databases (gnomAD no frequency). This variant has not been reported in the literature in individuals affected with XIAP-related conditions. ClinVar contains an entry for this variant (Variation ID: 3653871). Invitae Evidence Modeling of protein sequence and biophysical properties (such as structural, functional, and spatial information, amino acid conservation, physicochemical variation, residue mobility, and thermodynamic stability) indicates that this missense variant is not expected to disrupt XIAP protein function with a negative predictive value of 80%. In summary, the available evidence is currently insufficient to determine the role of this variant in disease. Therefore, it has been classified as a Variant of Uncertain Significance.

GeneDx
Classification: Uncertain significance. Last evaluated: 2025-02-05. Review status: criteria provided, single submitter. Criteria: GeneDx Variant Classification Process June 2021. Collection method: clinical testing. Allele origin: germline. Affected: yes.
Comment: Not observed at significant frequency in large population cohorts (gnomAD); In silico analysis indicates that this missense variant does not alter protein structure/function; Has not been previously published as pathogenic or benign to our knowledge